The following is an entry in ClinVar:

NM_001195553.2(DCX):c.34_40del (p.Asp12fs)

Gene: DCX (doublecortin; minus strand). Cytogenetic location: Xq23.
Variant type: Deletion.
Coding change: c.34_40del on transcript NM_001195553.2 (MANE Select); coding-DNA positions 34 to 40, 7 bases deleted (GATAAGA; older notation c.34_40delGATAAGA).
Protein change: p.Asp12fs; shifts the reading frame from aspartic acid 12.
Molecular consequence: frameshift variant.
Genome position (GRCh38, 1-based): chrX:111,410,359-111,410,365, TCTTATC deleted on the plus strand (GATAAGA on the coding strand, the reverse complement: DCX is on the minus strand); deleting any 7 consecutive bases within chrX:111,410,359-111,410,369 gives the same sequence; the c. name uses the placement nearest the transcript's 3' end. VCF-style (leftmost placement, unchanged base first): chrX-111410358-GTCTTATC-G. GRCh37 (hg19) VCF-style: chrX-110653586-GTCTTATC-G.
Other names: c.277_283del, p.Asp93fs (NM_000555.3); c.34_40del, p.Asp12fs (NM_001369370.1, NM_001369371.1, NM_001369372.1 and 6 more transcripts); short protein forms D93fs, D12fs.
Identifiers: ClinVar variation 4715051 (VCV004715051.1).
Genomic context (GRCh38, chrX:111,410,358, plus strand): 5'-TGGGCGCTGTGAGTGGGGCTAGGCAACCCATTCATCCGGGAGCCTCGCATGTTCCTGGAT[GTCTTATC>G]TCTTTCGTCAAAGTGTCCAAAATCAAGTTCCATATTTTGGTGGAACCTCAGAGACCTGAG-3'

ClinVar aggregate classification (germline): Pathogenic (1 of 4 stars; one submission).

Submission:

Labcorp Genetics (formerly Invitae), Labcorp
Classification: Pathogenic. Last evaluated: 2025-03-13. Review status: criteria provided, single submitter. Criteria: Invitae Variant Classification Sherloc (09022015). Collection method: clinical testing. Allele origin: germline.
Comment: This sequence change creates a premature translational stop signal (p.Asp12Hisfs*10) in the DCX gene. It is expected to result in an absent or disrupted protein product. Loss-of-function variants in DCX are known to be pathogenic (PMID: 11175293, 23365099). This variant is not present in population databases (gnomAD no frequency). This variant has not been reported in the literature in individuals affected with DCX-related conditions. For these reasons, this variant has been classified as Pathogenic.

Literature cited by the submitters: PubMed 11175293; PubMed 23365099.